The following is an entry in ClinVar:

NM_000070.3(CAPN3):c.63del (p.Pro22fs)

Gene: CAPN3 (calpain 3; plus strand). Cytogenetic location: 15q15.1.
Variant type: Deletion.
Coding change: c.63del on transcript NM_000070.3 (MANE Select); coding-DNA position 63, one base deleted (G; older notation c.63delG).
Protein change: p.Pro22fs; shifts the reading frame from proline 22.
Molecular consequence: frameshift variant.
Genome position (GRCh38, 1-based): chr15:42,359,868, G deleted; the last of 3 consecutive G bases (chr15:42,359,866-42,359,868); deleting any one gives the same sequence. VCF-style (leftmost placement, unchanged base first): chr15-42359865-AG-A. GRCh37 (hg19) VCF-style: chr15-42652063-AG-A.
Other names: c.63del, p.Pro22fs (NM_024344.2, NM_173087.2); short protein forms P22fs.
Identifiers: ClinVar variation 2761308 (VCV002761308.3), dbSNP rs2548224591, ClinGen allele CA2697554355.

ClinVar aggregate classification (germline): Pathogenic (1 of 4 stars; one submission).

Conditions:
Autosomal recessive limb-girdle muscular dystrophy type 2A (LGMDR1). Also called: LEYDEN-MOEBIUS MUSCULAR DYSTROPHY; MUSCULAR DYSTROPHY, PELVOFEMORAL; Muscular dystrophy, limb-girdle, type 2A, Amish; Limb-girdle muscular dystrophy, type 2A; Calpainopathy. Identifiers: Orphanet 267, MedGen C1869123, MONDO:0009675, OMIM 253600. Disease mechanism: loss of function.

Submission:

Labcorp Genetics (formerly Invitae), Labcorp
Classification: Pathogenic for Autosomal recessive limb-girdle muscular dystrophy type 2A. Last evaluated: 2023-09-17. Review status: criteria provided, single submitter. Criteria: Invitae Variant Classification Sherloc (09022015). Collection method: clinical testing. Allele origin: germline.
Comment: For these reasons, this variant has been classified as Pathogenic. This premature translational stop signal has been observed in individual(s) with autosomal recessive limb-girdle muscular dystrophy (PMID: 10330340, 30919934). This variant is not present in population databases (gnomAD no frequency). This sequence change creates a premature translational stop signal (p.Pro22Glnfs*35) in the CAPN3 gene. It is expected to result in an absent or disrupted protein product. Loss-of-function variants in CAPN3 are known to be pathogenic (PMID: 10330340, 15689361).

Literature cited by the submitters: PubMed 10330340; PubMed 30919934; PubMed 15689361.